The following is an entry in ClinVar:

NM_031407.7(HUWE1):c.3008C>T (p.Ala1003Val)

Gene: HUWE1 (HECT, UBA and WWE domain containing E3 ubiquitin protein ligase 1; minus strand). Cytogenetic location: Xp11.22.
Variant type: single nucleotide variant.
Coding change: c.3008C>T on transcript NM_031407.7 (MANE Select); coding-DNA position 3008, C replaced by T.
Protein change: p.Ala1003Val; replaces alanine 1003 with valine.
Molecular consequence: missense variant.
Genome position (GRCh38, 1-based): chrX:53,600,273, G>A on the plus strand (C>T on the coding strand, the complement: HUWE1 is on the minus strand). VCF-style: chrX-53600273-G-A. GRCh37 (hg19) VCF-style: chrX-53627233-G-A.
Other names: short protein forms A1003V.
Identifiers: ClinVar variation 1314542 (VCV001314542.2), dbSNP rs2064749943, ClinGen allele CA413180070.
Genomic context (GRCh38, chrX:53,600,273, plus strand): 5'-TCCATGGGAGCCAATGTGTCACCATCTAGCCCAATGCCTTCTAATAAGCCCTGGGTAGAA[G>A]CATCCATACTTCCAGCTGCTCCATCCTGTTCCCCATCTACAGATGTATAAGAGGGGAGCA-3'
Protein context (NP_113584.3, residues 993-1013): EQDGAAGSMD[Ala1003Val]STQGLLEGIG

ClinVar aggregate classification (germline): Uncertain significance (1 of 4 stars; one submission).

Submission:

GeneDx
Classification: Uncertain significance. Last evaluated: 2021-04-14. Review status: criteria provided, single submitter. Criteria: GeneDx Variant Classification Process June 2021. Collection method: clinical testing. Allele origin: germline. Affected: yes.
Comment: Not observed in large population cohorts (Lek et al., 2016); In silico analysis supports that this missense variant does not alter protein structure/function; Has not been previously published as pathogenic or benign to our knowledge